The following is an entry in ClinVar:

NM_021831.6(AGBL5):c.1897G>A (p.Glu633Lys)

Gene: AGBL5 (AGBL carboxypeptidase 5; plus strand). Cytogenetic location: 2p23.3.
Variant type: single nucleotide variant.
Coding change: c.1897G>A on transcript NM_021831.6 (MANE Select); coding-DNA position 1897, G replaced by A.
Protein change: p.Glu633Lys; replaces glutamic acid 633 with lysine.
Molecular consequence: missense variant. On other transcripts: non-coding transcript variant (2).
Genome position (GRCh38, 1-based): chr2:27,059,212, G>A. VCF-style: chr2-27059212-G-A. GRCh37 (hg19) VCF-style: chr2-27282080-G-A.
Other names: c.1897G>A, p.Glu633Lys (NM_001035507.3); c.1897G>A (NM_021831.5); short protein forms E633K.
Identifiers: ClinVar variation 1063180 (VCV001063180.8), dbSNP rs138800041, ClinGen allele CA1568005.

ClinVar aggregate classification (germline): Uncertain significance. Review status: criteria provided, multiple submitters, no conflicts (2 of 4 stars). 3 submissions from 3 submitters: Uncertain significance (3). Last evaluated 2025-12-08.

Conditions:
Inborn genetic diseases. Identifiers: MedGen C0950123, MeSH D030342.

Allele frequency attached by ClinVar (database versions not stated): gnomAD exomes 0.00001 and 0.00002; ExAC 0.00002; gnomAD 0.00004 and 0.00005; TOPMed 0.00006; ESP Exome Variant Server 0.00008.

Submissions (3):

Ambry Genetics
Classification: Uncertain significance for Inborn genetic diseases. Last evaluated: 2025-12-08. Review status: criteria provided, single submitter. Criteria: Ambry Variant Classification Scheme 2023. Collection method: clinical testing. Allele origin: germline.

Blueprint Genetics
Classification: Uncertain significance. Last evaluated: 2023-01-30. Review status: criteria provided, single submitter. Criteria: ACMG Guidelines, 2015. Collection method: clinical testing. Allele origin: germline.

Labcorp Genetics (formerly Invitae), Labcorp
Classification: Uncertain significance. Last evaluated: 2022-01-13. Review status: criteria provided, single submitter. Criteria: Invitae Variant Classification Sherloc (09022015). Collection method: clinical testing. Allele origin: germline.
Comment: This sequence change replaces glutamic acid, which is acidic and polar, with lysine, which is basic and polar, at codon 633 of the AGBL5 protein (p.Glu633Lys). This variant is present in population databases (rs138800041, gnomAD 0.02%). This variant has not been reported in the literature in individuals affected with AGBL5-related conditions. ClinVar contains an entry for this variant (Variation ID: 1063180). Algorithms developed to predict the effect of missense changes on protein structure and function are either unavailable or do not agree on the potential impact of this missense change (SIFT: "Deleterious"; PolyPhen-2: "Possibly Damaging"; Align-GVGD: "Class C0"). In summary, the available evidence is currently insufficient to determine the role of this variant in disease. Therefore, it has been classified as a Variant of Uncertain Significance.